The following is an entry in ClinVar:

NM_014915.3(ANKRD26):c.1154C>T (p.Thr385Ile)

Gene: ANKRD26 (ankyrin repeat domain containing 26; minus strand). Cytogenetic location: 10p12.1.
Variant type: single nucleotide variant.
Coding change: c.1154C>T on transcript NM_014915.3 (MANE Select); coding-DNA position 1154, C replaced by T.
Protein change: p.Thr385Ile; replaces threonine 385 with isoleucine.
Molecular consequence: missense variant.
Genome position (GRCh38, 1-based): chr10:27,067,210, G>A on the plus strand (C>T on the coding strand, the complement: ANKRD26 is on the minus strand). VCF-style: chr10-27067210-G-A. GRCh37 (hg19) VCF-style: chr10-27356139-G-A.
Other names: c.1154C>T, p.Thr385Ile (NM_001256053.2); short protein forms T385I.
Identifiers: ClinVar variation 3868465 (VCV003868465.1).

ClinVar aggregate classification (germline): Uncertain significance (1 of 4 stars; one submission).

Conditions:
Inborn genetic diseases. Identifiers: MedGen C0950123, MeSH D030342.

gnomAD v4.1: 1 of 1,613,522 alleles (0.000062%); highest among the groups gnomAD compares: Admixed American, 0.0017%; no homozygotes.

Submission:

Ambry Genetics
Classification: Uncertain significance for Inborn genetic diseases. Last evaluated: 2025-01-13. Review status: criteria provided, single submitter. Criteria: Ambry Variant Classification Scheme 2023. Collection method: clinical testing. Allele origin: germline.
Comment: The p.T385I variant (also known as c.1154C>T), located in coding exon 10 of the ANKRD26 gene, results from a C to T substitution at nucleotide position 1154. The threonine at codon 385 is replaced by isoleucine, an amino acid with similar properties. This amino acid position is conserved. In addition, this alteration is predicted to be tolerated by in silico analysis. Based on the available evidence, the clinical significance of this variant remains unclear.